The following is an entry in ClinVar:

NM_017763.6(RNF43):c.2309-18_2309-15delinsTCCC

Gene: RNF43 (ring finger protein 43; minus strand). Cytogenetic location: 17q22.
Variant type: Indel.
Coding change: c.2309-18_2309-15delinsTCCC on transcript NM_017763.6 (MANE Select); 18 bases into the intron before coding-DNA position 2309 through 15 bases into the intron before coding-DNA position 2309, CCCG replaced by TCCC.
Molecular consequence: intron variant.
Genome position (GRCh38, 1-based): chr17:58,355,001-58,355,004, CGGG replaced by GGGA on the plus strand (CCCG replaced by TCCC on the coding strand, the reverse complement: RNF43 is on the minus strand). VCF-style: chr17-58355001-CGGG-GGGA. GRCh37 (hg19) VCF-style: chr17-56432362-CGGG-GGGA.
Other names: c.2309-18_2309-15delinsTCCC (NM_001438822.1, NM_001305544.3); c.1928-18_1928-15delinsTCCC (NM_001305545.2).
Identifiers: ClinVar variation 4876006 (VCV004876006.1).

ClinVar aggregate classification (germline): Likely benign (1 of 4 stars; one submission).

Conditions:
Sessile serrated polyposis cancer syndrome (SSPCS). Identifiers: Orphanet 157798, MedGen C4310714, MONDO:0014919, OMIM 617108.

Submission:

Myriad Genetics, Inc.
Classification: Likely benign for Sessile serrated polyposis cancer syndrome. Last evaluated: 2026-06-26. Review status: criteria provided, single submitter. Criteria: Myriad Autosomal Dominant, Autosomal Recessive and X-Linked Classification Criteria (2023). Collection method: clinical testing. Allele origin: unknown.
Comment: This variant is considered likely benign. This variant is intronic and is not expected to impact mRNA splicing.